The following is an entry in ClinVar:

NM_000077.5(CDKN2A):c.440C>T (p.Ala147Val)

Gene: CDKN2A (cyclin dependent kinase inhibitor 2A; minus strand). Cytogenetic location: 9p21.3.
Variant type: single nucleotide variant.
Coding change: c.440C>T on transcript NM_000077.5; coding-DNA position 440, C replaced by T.
Protein change: p.Ala147Val; replaces alanine 147 with valine.
Molecular consequence: missense variant (on NM_000077.6). On other transcripts: 3 prime UTR variant (2).
Genome position (GRCh38, 1-based): chr9:21,970,919, G>A on the plus strand (C>T on the coding strand, the complement: CDKN2A is on the minus strand). VCF-style: chr9-21970919-G-A. GRCh37 (hg19) VCF-style: chr9-21970918-G-A.
Other names: c.440C>T, p.Ala147Val (NM_000077.6, NM_001195132.2); c.287C>T, p.Ala96Val (NM_001363763.2); c.*84C>T (NM_058195.4); c.*363C>T (NM_058197.5); short protein forms A147V, A96V.
Identifiers: ClinVar variation 406716 (VCV000406716.14), dbSNP rs1060501267, ClinGen allele CA16612699.
Genomic context (GRCh38, chr9:21,970,919, plus strand): 5'-TGGAAGCTCTCAGGGTACAAATTCTCAGATCATCAGTCCTCACCTGAGGGACCTTCCGCG[G>A]CATCTATGCGGGCATGGTTACTGCCTCTGGTGCCCCCCGCAGCCGCGCGCAGGTACCGTG-3'
Protein context (NP_000068.1, residues 137-156): TRGSNHARID[Ala147Val]AEGPSDIPD

ClinVar aggregate classification (germline): Uncertain significance. Review status: criteria provided, multiple submitters, no conflicts (2 of 4 stars). 2 submissions from 2 submitters: Uncertain significance (2). Last evaluated 2025-11-13.

Conditions:
Familial melanoma. Also called: Hereditary melanoma; Hereditary cutaneous melanoma. Identifiers: Orphanet 618, MedGen C1512419, MONDO:0018961.
Hereditary cancer-predisposing syndrome. Also called: Neoplastic Syndromes, Hereditary; Tumor predisposition; Hereditary Cancer Syndrome; Hereditary neoplastic syndrome. Identifiers: Orphanet 140162, MedGen C0027672, MeSH D009386, MONDO:0015356.

Allele frequency attached by ClinVar (database versions not stated): gnomAD exomes below 0.00001 and 0.00001; gnomAD 0.00001; TOPMed 0.00001.
gnomAD v4.1: 3 of 1,612,160 alleles (0.00019%); highest among the groups gnomAD compares: Non-Finnish European, 0.00025%; no homozygotes.

Submissions (2):

Labcorp Genetics (formerly Invitae), Labcorp
Classification: Uncertain significance for Familial melanoma. Last evaluated: 2025-11-13. Review status: criteria provided, single submitter. Criteria: Invitae Variant Classification Sherloc (09022015). Collection method: clinical testing. Allele origin: germline.
Comment: This sequence change replaces alanine, which is neutral and non-polar, with valine, which is neutral and non-polar, at codon 147 of the CDKN2A (p16INK4a) protein (p.Ala147Val). The frequency data for this variant in the population databases is considered unreliable, as metrics indicate poor data quality at this position in the gnomAD database. This variant has not been reported in the literature in individuals affected with CDKN2A (p16INK4a)-related conditions. ClinVar contains an entry for this variant (Variation ID: 406716). An algorithm developed to predict the effect of missense changes on protein structure and function outputs the following: PolyPhen-2: "Benign". The valine amino acid residue is found in multiple mammalian species, which suggests that this missense change does not adversely affect protein function. In summary, the available evidence is currently insufficient to determine the role of this variant in disease. Therefore, it has been classified as a Variant of Uncertain Significance.

Ambry Genetics
Classification: Uncertain significance for Hereditary cancer-predisposing syndrome. Last evaluated: 2024-12-04. Review status: criteria provided, single submitter. Criteria: Ambry Variant Classification Scheme 2023. Collection method: clinical testing. Allele origin: germline.
Comment: The p.A147V variant (also known as c.440C>T), located in coding exon 2 of the CDKN2A gene, results from a C to T substitution at nucleotide position 440. The alanine at codon 147 is replaced by valine, an amino acid with similar properties. This amino acid position is not well conserved in available vertebrate species. In addition, this alteration is predicted to be tolerated by in silico analysis. Of note, this alteration is in the untranslated region (3'UTR) of the alternate p14(ARF) isoform of CDKN2A. Based on the available evidence, the clinical significance of this variant remains unclear.